The following is an entry in ClinVar:

ClinVar aggregate classification (germline): Uncertain significance (1 of 4 stars; one submission).

Conditions:
Immunodeficiency 39 (IMD39). Identifiers: Orphanet 574918, MedGen C4225358, MONDO:0014597, OMIM 616345.

Submission:

Labcorp Genetics (formerly Invitae), Labcorp
Classification: Uncertain significance for Immunodeficiency 39. Last evaluated: 2025-05-31. Review status: criteria provided, single submitter. Criteria: Invitae Variant Classification Sherloc (09022015). Collection method: clinical testing. Allele origin: germline.
Comment: This sequence change creates a premature translational stop signal (p.Leu43Alafs*44) in the IRF7 gene. It is expected to result in an absent or disrupted protein product. However, the current clinical and genetic evidence is not sufficient to establish whether loss-of-function variants in IRF7 cause disease. This variant is present in population databases (no rsID available, gnomAD 0.001%). This variant has not been reported in the literature in individuals affected with IRF7-related conditions. In summary, the available evidence is currently insufficient to determine the role of this variant in disease. Therefore, it has been classified as a Variant of Uncertain Significance.

NM_001572.5(IRF7):c.87dup (p.Leu30fs)

Gene: IRF7 (interferon regulatory factor 7; minus strand). Cytogenetic location: 11p15.5.
Variant type: Duplication.
Coding change: c.87dup on transcript NM_001572.5 (MANE Select); coding-DNA position 87, one base duplicated (G; older notation c.87dupG).
Protein change: p.Leu30fs; shifts the reading frame from leucine 30.
Molecular consequence: frameshift variant.
Genome position (GRCh38, 1-based): chr11:615,193, C duplicated on the plus strand (G on the coding strand, the reverse complement: IRF7 is on the minus strand); the first of 4 consecutive C bases (chr11:615,193-615,196); duplicating any one gives the same sequence. VCF-style (leftmost placement, unchanged base first): chr11-615192-G-GC. GRCh37 (hg19) VCF-style: chr11-615192-G-GC.
Other names: c.126dup, p.Leu43fs (NM_001440440.1, NM_001440444.1, NM_004031.4); c.87dup, p.Leu30fs (NM_001440442.1, NM_001440445.1, NM_001440446.1 and 1 more transcripts); short protein forms L43fs, L30fs.
Identifiers: ClinVar variation 4769574 (VCV004769574.1).